The following is an entry in ClinVar:

NM_014141.6(CNTNAP2):c.563T>A (p.Ile188Asn)

Gene: CNTNAP2 (contactin associated protein 2; plus strand). Cytogenetic location: 7q35.
Variant type: single nucleotide variant.
Coding change: c.563T>A on transcript NM_014141.6 (MANE Select); coding-DNA position 563, T replaced by A.
Protein change: p.Ile188Asn; replaces isoleucine 188 with asparagine.
Molecular consequence: missense variant.
Genome position (GRCh38, 1-based): chr7:147,108,159, T>A. VCF-style: chr7-147108159-T-A. GRCh37 (hg19) VCF-style: chr7-146805251-T-A.
Other names: short protein forms I188N.
Identifiers: ClinVar variation 2105614 (VCV002105614.4), dbSNP rs1157125814, ClinGen allele CA369922946.

ClinVar aggregate classification (germline): Uncertain significance (1 of 4 stars; one submission).

Conditions:
Cortical dysplasia-focal epilepsy syndrome (PTHSL1). Also called: Pitt-Hopkins-like syndrome 1. Identifiers: Orphanet 163681, Orphanet 221150, MedGen C2750246, MONDO:0012400, OMIM 610042.

gnomAD v4.1: 9 of 1,613,348 alleles (0.00056%); highest among the groups gnomAD compares: Non-Finnish European, 0.00076%; no homozygotes.

Submission:

Labcorp Genetics (formerly Invitae), Labcorp
Classification: Uncertain significance for Cortical dysplasia-focal epilepsy syndrome. Last evaluated: 2022-04-29. Review status: criteria provided, single submitter. Criteria: Invitae Variant Classification Sherloc (09022015). Collection method: clinical testing. Allele origin: germline.
Comment: This sequence change replaces isoleucine, which is neutral and non-polar, with asparagine, which is neutral and polar, at codon 188 of the CNTNAP2 protein (p.Ile188Asn). This variant is not present in population databases (gnomAD no frequency). In summary, the available evidence is currently insufficient to determine the role of this variant in disease. Therefore, it has been classified as a Variant of Uncertain Significance. Algorithms developed to predict the effect of missense changes on protein structure and function are either unavailable or do not agree on the potential impact of this missense change (SIFT: "Deleterious"; PolyPhen-2: "Benign"; Align-GVGD: "Class C0"). This variant has not been reported in the literature in individuals affected with CNTNAP2-related conditions.